The following is an entry in ClinVar:

NM_020779.4(WDR35):c.953T>G (p.Ile318Ser)

Gene: WDR35 (WD repeat domain 35; minus strand). Cytogenetic location: 2p24.1.
Variant type: single nucleotide variant.
Coding change: c.953T>G on transcript NM_020779.4 (MANE Select); coding-DNA position 953, T replaced by G.
Protein change: p.Ile318Ser; replaces isoleucine 318 with serine.
Molecular consequence: missense variant.
Genome position (GRCh38, 1-based): chr2:19,969,535, A>C on the plus strand (T>G on the coding strand, the complement: WDR35 is on the minus strand). VCF-style: chr2-19969535-A-C. GRCh37 (hg19) VCF-style: chr2-20169296-A-C.
Other names: c.953T>G, p.Ile318Ser (NM_001006657.2); short protein forms I318S.
Identifiers: ClinVar variation 3189991 (VCV003189991.1), dbSNP rs1671968529, ClinGen allele CA345946547.

ClinVar aggregate classification (germline): Uncertain significance (1 of 4 stars; one submission).

Conditions:
Inborn genetic diseases. Identifiers: MedGen C0950123, MeSH D030342.

Submission:

Ambry Genetics
Classification: Uncertain significance for Inborn genetic diseases. Last evaluated: 2023-10-31. Review status: criteria provided, single submitter. Criteria: Ambry Variant Classification Scheme 2023. Collection method: clinical testing. Allele origin: germline.
Comment: The c.953T>G (p.I318S) alteration is located in coding exon 9 of the WDR35 gene. This alteration results from a T to G substitution at nucleotide position 953, causing the isoleucine (I) at amino acid position 318 to be replaced by a serine (S). This variant was not reported in population-based cohorts in the Genome Aggregation Database (gnomAD). This amino acid position is highly conserved in available vertebrate species. This alteration is predicted to be deleterious by in silico analysis. Based on insufficient or conflicting evidence, the clinical significance of this alteration remains unclear.